The following is an entry in ClinVar:

NM_000322.5(PRPH2):c.821T>G (p.Leu274Arg)

Gene: PRPH2 (peripherin 2; minus strand). Cytogenetic location: 6p21.1.
Variant type: single nucleotide variant.
Coding change: c.821T>G on transcript NM_000322.5 (MANE Select); coding-DNA position 821, T replaced by G.
Protein change: p.Leu274Arg; replaces leucine 274 with arginine.
Molecular consequence: missense variant.
Genome position (GRCh38, 1-based): chr6:42,704,372, A>C on the plus strand (T>G on the coding strand, the complement: PRPH2 is on the minus strand). VCF-style: chr6-42704372-A-C. GRCh37 (hg19) VCF-style: chr6-42672110-A-C.
Other names: short protein forms L274R.
Identifiers: ClinVar variation 2093712 (VCV002093712.4), dbSNP rs1800108856, ClinGen allele CA364134577.

ClinVar aggregate classification (germline): Uncertain significance (1 of 4 stars; one submission).

Conditions:
PRPH2-related disorder. Also called: PRPH2-related condition; PRPH2-related disorders. Identifiers: MedGen CN239395.

Submission:

Labcorp Genetics (formerly Invitae), Labcorp
Classification: Uncertain significance for PRPH2-related disorder. Last evaluated: 2024-10-16. Review status: criteria provided, single submitter. Criteria: Invitae Variant Classification Sherloc (09022015). Collection method: clinical testing. Allele origin: germline.
Comment: This sequence change replaces leucine, which is neutral and non-polar, with arginine, which is basic and polar, at codon 274 of the PRPH2 protein (p.Leu274Arg). This variant is not present in population databases (gnomAD no frequency). This missense change has been observed in individual(s) with retinitis pigmentosa (internal data). ClinVar contains an entry for this variant (Variation ID: 2093712). Invitae Evidence Modeling of protein sequence and biophysical properties (such as structural, functional, and spatial information, amino acid conservation, physicochemical variation, residue mobility, and thermodynamic stability) has been performed for this missense variant. However, the output from this modeling did not meet the statistical confidence thresholds required to predict the impact of this variant on PRPH2 protein function. In summary, the available evidence is currently insufficient to determine the role of this variant in disease. Therefore, it has been classified as a Variant of Uncertain Significance.